The following is an entry in ClinVar:

ClinVar aggregate classification (germline): Likely benign (0 of 4 stars; one submission).

Conditions:
NEK1-related disorder. Also called: NEK1-related condition.

Allele frequency attached by ClinVar (database versions not stated): TOPMed 0.00001.

Submission:

PreventionGenetics, part of Exact Sciences
Classification: Likely benign for NEK1-related condition. Last evaluated: 2022-05-23. Review status: no assertion criteria provided. Collection method: clinical testing. Allele origin: germline.
Comment: This variant is classified as likely benign based on ACMG/AMP sequence variant interpretation guidelines (Richards et al. 2015 PMID: 25741868, with internal and published modifications).

NM_001199397.3(NEK1):c.868+6T>G

Gene: NEK1 (NIMA related kinase 1; minus strand). Cytogenetic location: 4q33.
Variant type: single nucleotide variant.
Coding change: c.868+6T>G on transcript NM_001199397.3 (MANE Select); 6 bases into the intron after coding-DNA position 868, T replaced by G.
Molecular consequence: intron variant.
Genome position (GRCh38, 1-based): chr4:169,580,836, A>C on the plus strand (T>G on the coding strand, the complement: NEK1 is on the minus strand). VCF-style: chr4-169580836-A-C. GRCh37 (hg19) VCF-style: chr4-170501987-A-C.
Other names: c.868+6T>G (NM_001374421.1, NM_001374420.1, NM_001199399.3 and 7 more transcripts).
Identifiers: ClinVar variation 3045791 (VCV003045791.2), dbSNP rs1393645025, ClinGen allele CA790752753.